The following is an entry in ClinVar:

ClinVar aggregate classification (germline): Likely pathogenic (0 of 4 stars; one submission).

Conditions:
Combined oxidative phosphorylation defect type 21. Also called: Combined oxidative phosphorylation deficiency 21. Identifiers: Orphanet 420733, MedGen C4706316, MONDO:0014398, OMIM 615918.

Allele frequency attached by ClinVar (database versions not stated): ExAC 0.00001; gnomAD 0.00001; TOPMed 0.00002.

Submission:

Houlden Lab, UCL Institute of Neurology
Classification: Likely pathogenic for Combined oxidative phosphorylation defect type 21. Review status: no assertion criteria provided. Collection method: research. Allele origin: germline. Affected: yes.
Comment: This variant was identified in a compound heterozygous state with another TARS2 variant (c.980G>A) for this condition.

NM_025150.5(TARS2):c.1255C>T (p.Arg419Trp)

Gene: TARS2 (threonyl-tRNA synthetase 2, mitochondrial; plus strand). Cytogenetic location: 1q21.2.
Variant type: single nucleotide variant.
Coding change: c.1255C>T on transcript NM_025150.5 (MANE Select); coding-DNA position 1255, C replaced by T.
Protein change: p.Arg419Trp; replaces arginine 419 with tryptophan.
Molecular consequence: missense variant. On other transcripts: non-coding transcript variant (2).
Genome position (GRCh38, 1-based): chr1:150,498,518, C>T. VCF-style: chr1-150498518-C-T. GRCh37 (hg19) VCF-style: chr1-150470994-C-T.
Other names: p.Ar419Trp; c.1009C>T, p.Arg337Trp (NM_001271895.2); c.865C>T, p.Arg289Trp (NM_001271896.2); short protein forms R337W, R289W, R419W.
Identifiers: ClinVar variation 1992421 (VCV001992421.1), dbSNP rs778133443, ClinGen allele CA1076964.
Genomic context (GRCh38, chr1:150,498,518, plus strand): 5'-CTAGTCCTCCCTATGGCCCTGACCCCTCTGCACCCCAACCTCAGCCTGATGTTCGCCCAC[C>T]GGCCCAGATCCTGGCGGGAACTGCCCCTGCGACTAGCTGACTTTGGGGCTCTACACCGGG-3'
Protein context (NP_079426.2, residues 409-429): CPAHCLMFAH[Arg419Trp]PRSWRELPLR